The following is an entry in ClinVar:

ClinVar aggregate classification (germline): Uncertain significance (1 of 4 stars; one submission).

Conditions:
Retinoblastoma (RB1). Also called: RETINOBLASTOMA, SOMATIC. Identifiers: Orphanet 790, MedGen C0035335, MeSH D012175, MONDO:0008380, OMIM 180200, HP:0009919. Disease mechanism: loss of function. Inheritance: Both sporadic and heritable forms are tested..

gnomAD v4.1: 1 of 1,583,688 alleles (0.000063%); highest among the groups gnomAD compares: Non-Finnish European, 0.000087%; no homozygotes.

Submission:

Color Diagnostics, LLC DBA Color Health
Classification: Uncertain significance for Retinoblastoma. Last evaluated: 2025-06-23. Review status: criteria provided, single submitter. Criteria: ACMG Guidelines, 2015. Collection method: clinical testing. Allele origin: germline.
Comment: This missense variant replaces serine with arginine at codon 127 of the RB1 protein. Computational prediction is inconclusive regarding the impact of this variant on protein structure and function. To our knowledge, functional studies have not been reported for this variant. This variant has not been reported in individuals affected with RB1-related disorders in the literature. This variant has not been identified in the general population by the Genome Aggregation Database (gnomAD). The available evidence is insufficient to determine the role of this variant in disease conclusively. Therefore, this variant is classified as a Variant of Uncertain Significance.

NM_000321.3(RB1):c.379A>C (p.Ser127Arg)

Gene: RB1 (RB transcriptional corepressor 1; plus strand). Cytogenetic location: 13q14.2.
Variant type: single nucleotide variant.
Coding change: c.379A>C on transcript NM_000321.3 (MANE Select); coding-DNA position 379, A replaced by C.
Protein change: p.Ser127Arg; replaces serine 127 with arginine.
Molecular consequence: missense variant.
Genome position (GRCh38, 1-based): chr13:48,342,713, A>C. VCF-style: chr13-48342713-A-C. GRCh37 (hg19) VCF-style: chr13-48916849-A-C.
Other names: c.379A>C, p.Ser127Arg (NM_001407165.1, NM_001407166.1); short protein forms S127R.
Identifiers: ClinVar variation 4757233 (VCV004757233.1).